The following is an entry in ClinVar:

NM_001082486.2(ACD):c.1007C>T (p.Thr336Ile)

Gene: ACD (ACD shelterin complex subunit and telomerase recruitment factor; minus strand). Cytogenetic location: 16q22.1.
Variant type: single nucleotide variant.
Coding change: c.1007C>T on transcript NM_001082486.2 (MANE Select); coding-DNA position 1007, C replaced by T.
Protein change: p.Thr336Ile; replaces threonine 336 with isoleucine.
Molecular consequence: missense variant.
Genome position (GRCh38, 1-based): chr16:67,658,185, G>A on the plus strand (C>T on the coding strand, the complement: ACD is on the minus strand). VCF-style: chr16-67658185-G-A. GRCh37 (hg19) VCF-style: chr16-67692088-G-A.
Other names: c.920C>T, p.Thr307Ile (NM_001410884.1); c.998C>T, p.Thr333Ile (NM_022914.3); short protein forms T333I, T336I, T307I.
Identifiers: ClinVar variation 2786431 (VCV002786431.3), dbSNP rs2543599052, ClinGen allele CA396352511.

ClinVar aggregate classification (germline): Uncertain significance (1 of 4 stars; one submission).

Conditions:
Dyskeratosis congenita, autosomal dominant 6 (DKCA6). Identifiers: Orphanet 3322, MedGen C4225284, MONDO:0014690, OMIM 616553.

Submission:

Labcorp Genetics (formerly Invitae), Labcorp
Classification: Uncertain significance for Dyskeratosis congenita, autosomal dominant 6. Last evaluated: 2023-05-23. Review status: criteria provided, single submitter. Criteria: Invitae Variant Classification Sherloc (09022015). Collection method: clinical testing. Allele origin: germline.
Comment: This variant has not been reported in the literature in individuals affected with ACD-related conditions. This variant is not present in population databases (gnomAD no frequency). This sequence change replaces threonine, which is neutral and polar, with isoleucine, which is neutral and non-polar, at codon 422 of the ACD protein (p.Thr422Ile). Advanced modeling of protein sequence and biophysical properties (such as structural, functional, and spatial information, amino acid conservation, physicochemical variation, residue mobility, and thermodynamic stability) performed at Invitae indicates that this missense variant is not expected to disrupt ACD protein function. In summary, the available evidence is currently insufficient to determine the role of this variant in disease. Therefore, it has been classified as a Variant of Uncertain Significance.